The following is an entry in ClinVar:

ClinVar aggregate classification (germline): Uncertain significance (1 of 4 stars; one submission).

Conditions:
Candidiasis, familial, 9 (CANDF9). Identifiers: Orphanet 1334, MedGen C4225324, MONDO:0014642, OMIM 616445.

Allele frequency attached by ClinVar (database versions not stated): ExAC 0.00001; gnomAD exomes 0.00001; gnomAD 0.00002 and 0.00003; TOPMed 0.00002.
gnomAD v4.1: 11 of 1,611,392 alleles (0.00068%); highest among the groups gnomAD compares: African/African-American, 0.0067%; no homozygotes.

Submission:

Labcorp Genetics (formerly Invitae), Labcorp
Classification: Uncertain significance for Candidiasis, familial, 9. Last evaluated: 2025-03-31. Review status: criteria provided, single submitter. Criteria: Invitae Variant Classification Sherloc (09022015). Collection method: clinical testing. Allele origin: germline.
Comment: This sequence change replaces valine, which is neutral and non-polar, with isoleucine, which is neutral and non-polar, at codon 421 of the IL17RC protein (p.Val421Ile). This variant is present in population databases (rs764323291, gnomAD 0.01%). This variant has not been reported in the literature in individuals affected with IL17RC-related conditions. ClinVar contains an entry for this variant (Variation ID: 1050857). An algorithm developed to predict the effect of missense changes on protein structure and function outputs the following: PolyPhen-2: "Benign". The isoleucine amino acid residue is found in multiple mammalian species, which suggests that this missense change does not adversely affect protein function. In summary, the available evidence is currently insufficient to determine the role of this variant in disease. Therefore, it has been classified as a Variant of Uncertain Significance.

NM_153460.4(IL17RC):c.1048G>A (p.Val350Ile)

Gene: IL17RC (interleukin 17 receptor C; plus strand). Cytogenetic location: 3p25.3.
Variant type: single nucleotide variant.
Coding change: c.1048G>A on transcript NM_153460.4 (MANE Select); coding-DNA position 1048, G replaced by A.
Protein change: p.Val350Ile; replaces valine 350 with isoleucine.
Molecular consequence: missense variant. On other transcripts: non-coding transcript variant (1).
Genome position (GRCh38, 1-based): chr3:9,928,475, G>A. VCF-style: chr3-9928475-G-A. GRCh37 (hg19) VCF-style: chr3-9970159-G-A.
Other names: c.1048G>A, p.Val350Ile (NM_001203263.2, NM_001203264.2); c.1003G>A, p.Val335Ile (NM_001203265.2, NM_001367280.1, NM_032732.6); c.1009G>A, p.Val337Ile (NM_001367278.1); c.928G>A, p.Val310Ile (NM_001367279.1); c.1261G>A, p.Val421Ile (NM_153461.4); short protein forms V310I, V335I, V337I, V350I, V421I.
Identifiers: ClinVar variation 1050857 (VCV001050857.5), dbSNP rs764323291, ClinGen allele CA2247109.